The following is an entry in ClinVar:

ClinVar aggregate classification (germline): Conflicting classifications of pathogenicity. Review status: criteria provided, conflicting classifications (1 of 4 stars). 5 submissions from 5 submitters: Uncertain significance (1); Benign (1); Likely benign (2). 1 of the submissions does not count toward it. Last evaluated 2026-01-20.

Conditions:
Landau-Kleffner syndrome (FESD). Also called: EPILEPSY, FOCAL, WITH SPEECH DISORDER AND WITH OR WITHOUT MENTAL RETARDATION; APHASIA, ACQUIRED, WITH EPILEPSY. Identifiers: Orphanet 1945, Orphanet 725, Orphanet 98818, MedGen C0282512, MONDO:0009509, OMIM 245570.

Allele frequency attached by ClinVar (database versions not stated): ESP Exome Variant Server 0.00023; gnomAD 0.00007 and 0.00008; TOPMed 0.00008.
gnomAD v4.1: 95 of 1,613,904 alleles (0.0059%); highest among the groups gnomAD compares: Non-Finnish European, 0.00093%; no homozygotes.

Submissions (5):

Labcorp Genetics (formerly Invitae), Labcorp
Classification: Likely benign for Landau-Kleffner syndrome. Last evaluated: 2026-01-20. Review status: criteria provided, single submitter. Criteria: Invitae Variant Classification Sherloc (09022015). Collection method: clinical testing. Allele origin: germline.

GeneDx
Classification: Likely benign. Last evaluated: 2020-12-02. Review status: criteria provided, single submitter. Criteria: GeneDx Variant Classification Process June 2021. Collection method: clinical testing. Allele origin: germline. Affected: yes.

Illumina Laboratory Services, Illumina
Classification: Benign for Landau-Kleffner syndrome. Last evaluated: 2018-01-12. Review status: criteria provided, single submitter. Criteria: ICSL Variant Classification Criteria 13 December 2019. Collection method: clinical testing. Allele origin: germline.
Comment: This variant was observed in the ICSL laboratory as part of a predisposition screen in an ostensibly healthy population. It had not been previously curated by ICSL or reported in the Human Gene Mutation Database (HGMD: prior to June 1st, 2018), and was therefore a candidate for classification through an automated scoring system. Utilizing variant allele frequency, disease prevalence and penetrance estimates, and inheritance mode, an automated score was calculated to assess if this variant is too frequent to cause the disease. Based on the score and internal cut-off values, a variant classified as benign is not then subjected to further curation. The score for this variant resulted in a classification of benign for this disease.

Eurofins Ntd Llc (ga)
Classification: Uncertain significance. Last evaluated: 2016-01-12. Review status: criteria provided, single submitter. Criteria: EGL Classification Definitions 2015. Collection method: clinical testing. Allele origin: germline. Observed: 1 variant allele, 1 heterozygote.

Department of Pathology and Laboratory Medicine, Sinai Health System
Classification: Uncertain significance. Review status: no assertion criteria provided. Collection method: clinical testing. Allele origin: unknown. Affected: yes. Study: The Canadian Open Genetics Repository (COGR). Not counted in ClinVar's aggregate classification.
Comment: The GRIN2A p.Arg1451Ser variant was not identified in the literature but was identified in dbSNP (ID: rs143693526) and ClinVar (classified as uncertain significance by EGL Genetic Diagnostics and Illumina for epilepsy with neurodevelopmental defects). The variant was identified in control databases in 29 of 282566 chromosomes at a frequency of 0.0001026 (Genome Aggregation Database March 6, 2019, v2.1.1). The variant was observed in the following populations: Ashkenazi Jewish in 22 of 10360 chromosomes (freq: 0.002124), Other in 2 of 7208 chromosomes (freq: 0.000278) and European (non-Finnish) in 5 of 128976 chromosomes (freq: 0.000039), but was not observed in the African, Latino, East Asian, European (Finnish), or South Asian populations. The p.Arg1451 residue is conserved across mammals and other organisms, and four out of five computational analyses (PolyPhen-2, SIFT, AlignGVGD, BLOSUM, MutationTaster) suggest that the variant may impact the protein; however, this information is not predictive enough to assume pathogenicity. The variant occurs outside of the splicing consensus sequence and in silico or computational prediction software programs (SpliceSiteFinder, MaxEntScan, NNSPLICE, GeneSplicer) do not predict a difference in splicing. In summary, based on the above information the clinical significance of this variant cannot be determined with certainty at this time. This variant is classified as a variant of uncertain significance.

NM_001134407.3(GRIN2A):c.4353A>T (p.Arg1451Ser)

Gene: GRIN2A (glutamate ionotropic receptor NMDA type subunit 2A; minus strand). Cytogenetic location: 16p13.2.
Variant type: single nucleotide variant.
Coding change: c.4353A>T on transcript NM_001134407.3 (MANE Select); coding-DNA position 4353, A replaced by T.
Protein change: p.Arg1451Ser; replaces arginine 1451 with serine.
Molecular consequence: missense variant. On other transcripts: 3 prime UTR variant (1).
Genome position (GRCh38, 1-based): chr16:9,763,191, T>A on the plus strand (A>T on the coding strand, the complement: GRIN2A is on the minus strand). VCF-style: chr16-9763191-T-A. GRCh37 (hg19) VCF-style: chr16-9857048-T-A.
Other names: c.4353A>T, p.Arg1451Ser (NM_000833.5); c.*164A>T (NM_001134408.2); short protein forms R1451S.
Identifiers: ClinVar variation 285768 (VCV000285768.22), dbSNP rs143693526, ClinGen allele CA7896172.